The following is an entry in ClinVar:

ClinVar aggregate classification (germline): Uncertain significance (1 of 4 stars; one submission).

Conditions:
Juvenile polyposis syndrome (JPS). Identifiers: Orphanet 2929, MedGen C0345893, MONDO:0017380, OMIM 174900.

Submission:

Labcorp Genetics (formerly Invitae), Labcorp
Classification: Uncertain significance for Juvenile polyposis syndrome. Last evaluated: 2025-08-18. Review status: criteria provided, single submitter. Criteria: Invitae Variant Classification Sherloc (09022015). Collection method: clinical testing. Allele origin: germline.
Comment: This sequence change replaces glutamic acid, which is acidic and polar, with glycine, which is neutral and non-polar, at codon 472 of the BMPR1A protein (p.Glu472Gly). This variant is not present in population databases (gnomAD no frequency). This variant has not been reported in the literature in individuals affected with BMPR1A-related conditions. Invitae Evidence Modeling of protein sequence and biophysical properties (such as structural, functional, and spatial information, amino acid conservation, physicochemical variation, residue mobility, and thermodynamic stability) has been performed for this missense variant. However, the output from this modeling did not meet the statistical confidence thresholds required to predict the impact of this variant on BMPR1A protein function. In summary, the available evidence is currently insufficient to determine the role of this variant in disease. Therefore, it has been classified as a Variant of Uncertain Significance.

NM_004329.3(BMPR1A):c.1415A>G (p.Glu472Gly)

Gene: BMPR1A (bone morphogenetic protein receptor type 1A; plus strand). Cytogenetic location: 10q23.2.
Variant type: single nucleotide variant.
Coding change: c.1415A>G on transcript NM_004329.3 (MANE Select); coding-DNA position 1415, A replaced by G.
Protein change: p.Glu472Gly; replaces glutamic acid 472 with glycine.
Molecular consequence: missense variant. On other transcripts: non-coding transcript variant (3).
Genome position (GRCh38, 1-based): chr10:86,923,448, A>G. VCF-style: chr10-86923448-A-G. GRCh37 (hg19) VCF-style: chr10-88683205-A-G.
Other names: c.1073A>G, p.Glu358Gly (NM_001406589.1); c.1415A>G, p.Glu472Gly (NM_001406579.1, NM_001406580.1, NM_001406581.1 and 19 more transcripts); c.1409A>G, p.Glu470Gly (NM_001406583.1); c.1331A>G, p.Glu444Gly (NM_001406584.1, NM_001406585.1, NM_001406586.1 and 2 more transcripts); c.1490A>G, p.Glu497Gly (NM_001406559.1); c.1463A>G, p.Glu488Gly (NM_001406560.1); short protein forms E358G, E470G, E472G, E497G, E444G, E488G.
Identifiers: ClinVar variation 4717862 (VCV004717862.1).